The following is an entry in ClinVar:

ClinVar aggregate classification (germline): Uncertain significance. Review status: criteria provided, multiple submitters, no conflicts (2 of 4 stars). 2 submissions from 2 submitters: Uncertain significance (2). Last evaluated 2025-12-24.

Conditions:
Dilated cardiomyopathy 1O (CMD1O). Also called: CARDIOMYOPATHY, DILATED, WITH VENTRICULAR TACHYCARDIA. Identifiers: Orphanet 154, MedGen C1837839, MONDO:0012062, OMIM 608569.
Cardiovascular phenotype. Identifiers: MedGen CN230736.

Allele frequency attached by ClinVar (database versions not stated): gnomAD 0.00001; gnomAD exomes 0.00001 and 0.00002; TOPMed 0.00002; ExAC 0.00004; ESP Exome Variant Server 0.00008.
gnomAD v4.1: 8 of 1,613,866 alleles (0.0005%); highest among the groups gnomAD compares: Non-Finnish European, 0.00059%; no homozygotes.

Submissions (2):

Ambry Genetics
Classification: Uncertain significance for Cardiovascular phenotype. Last evaluated: 2025-12-24. Review status: criteria provided, single submitter. Criteria: Ambry Variant Classification Scheme 2023. Collection method: clinical testing. Allele origin: germline.
Comment: The p.N643H variant (also known as c.1927A>C), located in coding exon 14 of the ABCC9 gene, results from an A to C substitution at nucleotide position 1927. The asparagine at codon 643 is replaced by histidine, an amino acid with similar properties. This amino acid position is conserved. In addition, the in silico prediction for this alteration is inconclusive. Based on the available evidence, the clinical significance of this variant remains unclear.

Labcorp Genetics (formerly Invitae), Labcorp
Classification: Uncertain significance for Dilated cardiomyopathy 1O. Last evaluated: 2024-07-16. Review status: criteria provided, single submitter. Criteria: Invitae Variant Classification Sherloc (09022015). Collection method: clinical testing. Allele origin: germline.
Comment: This sequence change replaces asparagine, which is neutral and polar, with histidine, which is basic and polar, at codon 643 of the ABCC9 protein (p.Asn643His). This variant is present in population databases (rs138890128, gnomAD 0.005%). This variant has not been reported in the literature in individuals affected with ABCC9-related conditions. ClinVar contains an entry for this variant (Variation ID: 1421022). Advanced modeling of protein sequence and biophysical properties (such as structural, functional, and spatial information, amino acid conservation, physicochemical variation, residue mobility, and thermodynamic stability) has been performed at Invitae for this missense variant, however the output from this modeling did not meet the statistical confidence thresholds required to predict the impact of this variant on ABCC9 protein function. In summary, the available evidence is currently insufficient to determine the role of this variant in disease. Therefore, it has been classified as a Variant of Uncertain Significance.

NM_020297.4(ABCC9):c.1927A>C (p.Asn643His)

Gene: ABCC9 (ATP binding cassette subfamily C member 9; minus strand). Cytogenetic location: 12p12.1.
Variant type: single nucleotide variant.
Coding change: c.1927A>C on transcript NM_020297.4 (MANE Select); coding-DNA position 1927, A replaced by C.
Protein change: p.Asn643His; replaces asparagine 643 with histidine.
Molecular consequence: missense variant.
Genome position (GRCh38, 1-based): chr12:21,882,858, T>G on the plus strand (A>C on the coding strand, the complement: ABCC9 is on the minus strand). VCF-style: chr12-21882858-T-G. GRCh37 (hg19) VCF-style: chr12-22035792-T-G.
Other names: c.1927A>C, p.Asn643His (NM_001377273.1, NM_005691.4); c.1063A>C, p.Asn355His (NM_001377274.1); c.1927A>C (NM_005691.2); short protein forms N643H, N355H.
Identifiers: ClinVar variation 1421022 (VCV001421022.9), dbSNP rs138890128, ClinGen allele CA6481548.